The following is an entry in ClinVar:

NM_001364905.1(LRBA):c.7091A>T (p.Asn2364Ile)

Gene: LRBA (LPS responsive beige-like anchor protein; minus strand). Cytogenetic location: 4q31.3.
Variant type: single nucleotide variant.
Coding change: c.7091A>T on transcript NM_001364905.1 (MANE Select); coding-DNA position 7091, A replaced by T.
Protein change: p.Asn2364Ile; replaces asparagine 2364 with isoleucine.
Molecular consequence: missense variant.
Genome position (GRCh38, 1-based): chr4:150,415,541, T>A on the plus strand (A>T on the coding strand, the complement: LRBA is on the minus strand). VCF-style: chr4-150415541-T-A. GRCh37 (hg19) VCF-style: chr4-151336693-T-A.
Other names: c.7091A>T, p.Asn2364Ile (NM_001199282.3, NM_001367550.1); c.7124A>T, p.Asn2375Ile (NM_006726.5); short protein forms N2364I, N2375I.
Identifiers: ClinVar variation 1950346 (VCV001950346.3), dbSNP rs374405717, ClinGen allele CA3101733.

ClinVar aggregate classification (germline): Uncertain significance (1 of 4 stars; one submission).

Conditions:
Combined immunodeficiency due to LRBA deficiency. Also called: Common variable immunodeficiency 8, with autoimmunity. Identifiers: Orphanet 445018, MedGen C3553512, MONDO:0013863, OMIM 614700.

gnomAD v4.1: 2 of 1,602,192 alleles (0.00012%); highest among the groups gnomAD compares: Admixed American, 0.0017%; no homozygotes.

Submission:

Labcorp Genetics (formerly Invitae), Labcorp
Classification: Uncertain significance for Combined immunodeficiency due to LRBA deficiency. Last evaluated: 2022-06-04. Review status: criteria provided, single submitter. Criteria: Invitae Variant Classification Sherloc (09022015). Collection method: clinical testing. Allele origin: germline.
Comment: This sequence change replaces asparagine, which is neutral and polar, with isoleucine, which is neutral and non-polar, at codon 2375 of the LRBA protein (p.Asn2375Ile). In summary, the available evidence is currently insufficient to determine the role of this variant in disease. Therefore, it has been classified as a Variant of Uncertain Significance. Algorithms developed to predict the effect of missense changes on protein structure and function are either unavailable or do not agree on the potential impact of this missense change (SIFT: "Deleterious"; PolyPhen-2: "Probably Damaging"; Align-GVGD: "Class C0"). This variant has not been reported in the literature in individuals affected with LRBA-related conditions. This variant is present in population databases (rs374405717, gnomAD 0.006%).